The following is an entry in ClinVar:

NM_001111125.3(IQSEC2):c.2689A>G (p.Ser897Gly)

Gene: IQSEC2 (IQ motif and Sec7 domain ArfGEF 2; minus strand). Cytogenetic location: Xp11.22.
Variant type: single nucleotide variant.
Coding change: c.2689A>G on transcript NM_001111125.3 (MANE Select); coding-DNA position 2689, A replaced by G.
Protein change: p.Ser897Gly; replaces serine 897 with glycine.
Molecular consequence: missense variant.
Genome position (GRCh38, 1-based): chrX:53,247,029, T>C on the plus strand (A>G on the coding strand, the complement: IQSEC2 is on the minus strand). VCF-style: chrX-53247029-T-C. GRCh37 (hg19) VCF-style: chrX-53276211-T-C.
Other names: c.2689A>G, p.Ser897Gly (NM_001410736.1); c.2074A>G, p.Ser692Gly (NM_015075.2); short protein forms S692G, S897G.
Identifiers: ClinVar variation 3364578 (VCV003364578.1).
Genomic context (GRCh38, chrX:53,247,029, plus strand): 5'-CTCTCAGGTTCTTGATGAAGTCATCTAGTTTCATCTTTCGTTCAGCTTTGACGCTGGGAC[T>C]GTACATGTCGGTATTGAGGAGGATGATGGCAAAAGCAAGGATGAAGATGGTGTCTGGGTT-3'
Protein context (NP_001104595.1, residues 887-907): AIILLNTDMY[Ser897Gly]PSVKAERKMK

ClinVar aggregate classification (germline): Uncertain significance (1 of 4 stars; one submission).

Submission:

GeneDx
Classification: Uncertain significance. Last evaluated: 2023-11-27. Review status: criteria provided, single submitter. Criteria: GeneDx Variant Classification Process June 2021. Collection method: clinical testing. Allele origin: germline. Affected: yes.
Comment: Not observed at significant frequency in large population cohorts (gnomAD); In silico analysis supports that this missense variant has a deleterious effect on protein structure/function; Has not been previously published as pathogenic or benign to our knowledge; This variant is associated with the following publications: (PMID: 20473311)